The following is an entry in ClinVar:

NM_022552.5(DNMT3A):c.640-3676C>G

Gene: DNMT3A (DNA methyltransferase 3 alpha; minus strand). Cytogenetic location: 2p23.3.
Variant type: single nucleotide variant.
Coding change: c.640-3676C>G on transcript NM_022552.5 (MANE Select); 3676 bases into the intron before coding-DNA position 640, C replaced by G.
Molecular consequence: intron variant. On other transcripts: missense variant (1).
Genome position (GRCh38, 1-based): chr2:25,251,928, G>C on the plus strand (C>G on the coding strand, the complement: DNMT3A is on the minus strand). VCF-style: chr2-25251928-G-C. GRCh37 (hg19) VCF-style: chr2-25474797-G-C.
Other names: c.167C>G, p.Pro56Arg (NM_001320893.1); c.640-3676C>G (NM_175629.2); c.4+266C>G (NM_153759.3); c.-31+266C>G (NM_001375819.1); short protein forms P56R.
Identifiers: ClinVar variation 2650726 (VCV002650726.26), dbSNP rs1049794912, ClinGen allele CA43709363.

ClinVar aggregate classification (germline): Benign/Likely benign. Review status: criteria provided, multiple submitters, no conflicts (2 of 4 stars). 3 submissions from 3 submitters: Benign (1); Likely benign (1). 1 of the submissions does not count toward it. Last evaluated 2022-06-01.

Conditions:
DNMT3A-related disorder. Also called: DNMT3A-related disorders; DNMT3A-related condition.

Allele frequency attached by ClinVar (database versions not stated): 1000 Genomes Project 30x 0.00016; gnomAD 0.00072.
gnomAD v4.1: 126 of 477,580 alleles (0.026%); highest among the groups gnomAD compares: African/African-American, 0.24%; no homozygotes.

Submissions (3):

CeGaT Center for Human Genetics Tuebingen
Classification: Benign. Last evaluated: 2022-06-01. Review status: criteria provided, single submitter. Criteria: CeGaT Center For Human Genetics Tuebingen Variant Classification Criteria Version 2. Collection method: clinical testing. Allele origin: germline. Affected: yes. Observed: 1 variant allele.
Comment: DNMT3A: BS1, BS2

Breakthrough Genomics
Classification: Likely benign. Review status: criteria provided, single submitter. Criteria: ACMG Guidelines, 2015. Collection method: not provided. Allele origin: germline. Inheritance: Autosomal dominant inheritance. Affected: yes.

PreventionGenetics, part of Exact Sciences
Classification: Likely benign for DNMT3A-related condition. Last evaluated: 2019-06-04. Review status: no assertion criteria provided. Collection method: clinical testing. Allele origin: germline. Not counted in ClinVar's aggregate classification.
Comment: This variant is classified as likely benign based on ACMG/AMP sequence variant interpretation guidelines (Richards et al. 2015 PMID: 25741868, with internal and published modifications).